The following is an entry in ClinVar:

NM_025114.4(CEP290):c.3084G>C (p.Trp1028Cys)

Gene: CEP290 (centrosomal protein 290; minus strand). Cytogenetic location: 12q21.32.
Variant type: single nucleotide variant.
Coding change: c.3084G>C on transcript NM_025114.4 (MANE Select); coding-DNA position 3084, G replaced by C.
Protein change: p.Trp1028Cys; replaces tryptophan 1028 with cysteine.
Molecular consequence: missense variant.
Genome position (GRCh38, 1-based): chr12:88,096,907, C>G on the plus strand (G>C on the coding strand, the complement: CEP290 is on the minus strand). VCF-style: chr12-88096907-C-G. GRCh37 (hg19) VCF-style: chr12-88490684-C-G.
Other names: short protein forms W1028C.
Identifiers: ClinVar variation 4782714 (VCV004782714.1).

ClinVar aggregate classification (germline): Uncertain significance (1 of 4 stars; one submission).

Conditions:
Meckel-Gruber syndrome. Also called: GRUBER SYNDROME; DYSENCEPHALIA SPLANCHNOCYSTICA; Dysencephalia splachnocystica. Identifiers: Orphanet 564, MedGen C0265215, MONDO:0018921.
Joubert syndrome. Also called: Familial aplasia of the vermis; JOUBERT-BOLTSHAUSER SYNDROME; CEREBELLOPARENCHYMAL DISORDER IV. Identifiers: Orphanet 475, MedGen C5979921, MONDO:0018772.
Nephronophthisis. Also called: Juvenile Nephronophthisis. Identifiers: Orphanet 655, MedGen C0687120, MONDO:0019005, HP:0000090.

Submission:

Labcorp Genetics (formerly Invitae), Labcorp
Classification: Uncertain significance for Joubert syndrome; Meckel-Gruber syndrome; Nephronophthisis. Last evaluated: 2025-03-27. Review status: criteria provided, single submitter. Criteria: Invitae Variant Classification Sherloc (09022015). Collection method: clinical testing. Allele origin: germline.
Comment: This sequence change replaces tryptophan, which is neutral and slightly polar, with cysteine, which is neutral and slightly polar, at codon 1028 of the CEP290 protein (p.Trp1028Cys). This variant is not present in population databases (gnomAD no frequency). This variant has not been reported in the literature in individuals affected with CEP290-related conditions. Invitae Evidence Modeling of protein sequence and biophysical properties (such as structural, functional, and spatial information, amino acid conservation, physicochemical variation, residue mobility, and thermodynamic stability) indicates that this missense variant is expected to disrupt CEP290 protein function with a positive predictive value of 80%. In summary, the available evidence is currently insufficient to determine the role of this variant in disease. Therefore, it has been classified as a Variant of Uncertain Significance.